The following is an entry in ClinVar:

ClinVar aggregate classification (germline): Uncertain significance (1 of 4 stars; one submission).

gnomAD v4.1: 4 of 1,613,916 alleles (0.00025%); highest among the groups gnomAD compares: Non-Finnish European, 0.00025%; no homozygotes.

Submission:

Labcorp Genetics (formerly Invitae), Labcorp
Classification: Uncertain significance. Last evaluated: 2024-08-01. Review status: criteria provided, single submitter. Criteria: Invitae Variant Classification Sherloc (09022015). Collection method: clinical testing. Allele origin: germline.
Comment: This sequence change replaces leucine, which is neutral and non-polar, with proline, which is neutral and non-polar, at codon 614 of the BUB1 protein (p.Leu614Pro). This variant is not present in population databases (gnomAD no frequency). This variant has not been reported in the literature in individuals affected with BUB1-related conditions. An algorithm developed to predict the effect of missense changes on protein structure and function outputs the following: PolyPhen-2: "Not Available". The proline amino acid residue is found in multiple mammalian species, which suggests that this missense change does not adversely affect protein function. In summary, the available evidence is currently insufficient to determine the role of this variant in disease. Therefore, it has been classified as a Variant of Uncertain Significance.

NM_004336.5(BUB1):c.1841T>C (p.Leu614Pro)

Gene: BUB1 (BUB1 mitotic checkpoint serine/threonine kinase; minus strand). Cytogenetic location: 2q13.
Variant type: single nucleotide variant.
Coding change: c.1841T>C on transcript NM_004336.5 (MANE Select); coding-DNA position 1841, T replaced by C.
Protein change: p.Leu614Pro; replaces leucine 614 with proline.
Molecular consequence: missense variant.
Genome position (GRCh38, 1-based): chr2:110,655,774, A>G on the plus strand (T>C on the coding strand, the complement: BUB1 is on the minus strand). VCF-style: chr2-110655774-A-G. GRCh37 (hg19) VCF-style: chr2-111413351-A-G.
Other names: c.1781T>C, p.Leu594Pro (NM_001278616.2); c.1841T>C, p.Leu614Pro (NM_001278617.2); short protein forms L614P, L594P.
Identifiers: ClinVar variation 3653573 (VCV003653573.2).
Genomic context (GRCh38, chr2:110,655,774, plus strand): 5'-GACACTAAAACAGTGTAACACACACCTTTATCTTCTAAAATGTGCACTGACTCCACTGGA[A>G]GCTTGTGGAATGGTGTAGACGCAAGTTGTGCAGCAGATGTGAAGTCTCCTGGGCTCTTAG-3'
Protein context (NP_004327.1, residues 604-624): AQLASTPFHK[Leu614Pro]PVESVHILED